The following is an entry in ClinVar:

NM_003072.5(SMARCA4):c.4685A>G (p.Gln1562Arg)

Gene: SMARCA4 (SWI/SNF related BAF chromatin remodeling complex subunit ATPase 4; plus strand). Cytogenetic location: 19p13.2.
Variant type: single nucleotide variant.
Coding change: c.4685A>G on transcript NM_003072.5 (MANE Select); coding-DNA position 4685, A replaced by G.
Protein change: p.Gln1562Arg; replaces glutamine 1562 with arginine.
Molecular consequence: missense variant. On other transcripts: non-coding transcript variant (1).
Genome position (GRCh38, 1-based): chr19:11,059,802, A>G. VCF-style: chr19-11059802-A-G. GRCh37 (hg19) VCF-style: chr19-11170478-A-G.
Other names: c.4592A>G, p.Gln1531Arg (NM_001128846.2); c.4586A>G, p.Gln1529Arg (NM_001128847.4, NM_001374457.1); c.4583A>G, p.Gln1528Arg (NM_001128848.2); c.4781A>G, p.Gln1594Arg (NM_001128849.3, NM_001387283.1); c.4682A>G, p.Gln1561Arg (NM_001411150.1); c.4685A>G, p.Gln1562Arg (NM_001128844.3); c.4595A>G, p.Gln1532Arg (NM_001128845.2); short protein forms Q1532R, Q1562R, Q1528R, Q1561R, Q1531R, Q1594R, Q1529R.
Identifiers: ClinVar variation 4827324 (VCV004827324.1).

ClinVar aggregate classification (germline): Uncertain significance (1 of 4 stars; one submission).

Conditions:
Hereditary cancer-predisposing syndrome. Also called: Neoplastic Syndromes, Hereditary; Tumor predisposition; Hereditary Cancer Syndrome; Hereditary neoplastic syndrome. Identifiers: Orphanet 140162, MedGen C0027672, MeSH D009386, MONDO:0015356.

Submission:

Ambry Genetics
Classification: Uncertain significance for Hereditary cancer-predisposing syndrome. Last evaluated: 2026-02-23. Review status: criteria provided, single submitter. Criteria: Ambry Variant Classification Scheme 2023. Collection method: clinical testing. Allele origin: germline.
Comment: The p.Q1594R variant (also known as c.4781A>G), located in coding exon 33 of the SMARCA4 gene, results from an A to G substitution at nucleotide position 4781. The glutamine at codon 1594 is replaced by arginine, an amino acid with highly similar properties. This amino acid position is conserved. In addition, this alteration is predicted to be tolerated by in silico analysis. Based on the available evidence, the clinical significance of this variant remains unclear.